The following is an entry in ClinVar:

ClinVar aggregate classification (germline): Uncertain significance (1 of 4 stars; one submission).

Conditions:
Nemaline myopathy 8 (NEM8). Also called: Nemaline myopathy 8, autosomal recessive. Identifiers: Orphanet 171430, MedGen C3809209, MONDO:0014138, OMIM 615348.

Allele frequency attached by ClinVar (database versions not stated): ExAC 0.00001; gnomAD exomes 0.00001; gnomAD 0.00003; TOPMed 0.00004; 1000 Genomes Project 30x 0.00016; 1000 Genomes Project 0.00020.
gnomAD v4.1: 17 of 1,613,852 alleles (0.0011%); highest among the groups gnomAD compares: Middle Eastern, 0.017%; no homozygotes.

Submission:

Labcorp Genetics (formerly Invitae), Labcorp
Classification: Uncertain significance for Nemaline myopathy 8. Last evaluated: 2022-07-26. Review status: criteria provided, single submitter. Criteria: Invitae Variant Classification Sherloc (09022015). Collection method: clinical testing. Allele origin: germline.
Comment: In summary, the available evidence is currently insufficient to determine the role of this variant in disease. Therefore, it has been classified as a Variant of Uncertain Significance. Algorithms developed to predict the effect of missense changes on protein structure and function are either unavailable or do not agree on the potential impact of this missense change (SIFT: "Deleterious"; PolyPhen-2: "Benign"; Align-GVGD: "Class C0"). ClinVar contains an entry for this variant (Variation ID: 1044234). This variant has not been reported in the literature in individuals affected with KLHL40-related conditions. This variant is present in population databases (rs577804609, gnomAD 0.006%). This sequence change replaces arginine, which is basic and polar, with cysteine, which is neutral and slightly polar, at codon 427 of the KLHL40 protein (p.Arg427Cys).

NM_152393.4(KLHL40):c.1279C>T (p.Arg427Cys)

Gene: KLHL40 (kelch like family member 40; plus strand). Cytogenetic location: 3p22.1.
Variant type: single nucleotide variant.
Coding change: c.1279C>T on transcript NM_152393.4 (MANE Select); coding-DNA position 1279, C replaced by T.
Protein change: p.Arg427Cys; replaces arginine 427 with cysteine.
Molecular consequence: missense variant.
Genome position (GRCh38, 1-based): chr3:42,688,268, C>T. VCF-style: chr3-42688268-C-T. GRCh37 (hg19) VCF-style: chr3-42729760-C-T.
Other names: short protein forms R427C.
Identifiers: ClinVar variation 1044234 (VCV001044234.5), dbSNP rs577804609, ClinGen allele CA2336879.
Genomic context (GRCh38, chr3:42,688,268, plus strand): 5'-CTGGGAGAAGCTCTCAACTCCATCTACGTGGTCGGTGGCAGAGAGATCAAGGACGGCGAG[C>T]GCTGCCTGGACTCGGTCATGTGCTACGACAGGCTGTGAGCATGGCTGGGGTGGGGCTGAG-3'
Protein context (NP_689606.2, residues 417-437): VGGREIKDGE[Arg427Cys]CLDSVMCYDR